The following is an entry in ClinVar:

ClinVar aggregate classification (germline): Likely benign. Review status: criteria provided, multiple submitters, no conflicts (2 of 4 stars). 4 submissions from 4 submitters: Likely benign (4). Last evaluated 2024-01-09.

Conditions:
Familial thoracic aortic aneurysm and aortic dissection (TAAD). Also called: Thoracic aortic aneurysms and dissections. Identifiers: Orphanet 91387, MedGen C4707243, MONDO:0019625.
Aortic aneurysm, familial thoracic 6 (AAT6). Also called: FAMILIAL THORACIC AORTIC ANEURYSM WITH LIVEDO RETICULARIS AND IRIS FLOCCULI. Identifiers: MedGen C2673186, MONDO:0012730, OMIM 611788.

gnomAD v4.1: 24 of 1,613,810 alleles (0.0015%); highest among the groups gnomAD compares: Non-Finnish European, 0.002%; no homozygotes.

Submissions (4):

Labcorp Genetics (formerly Invitae), Labcorp
Classification: Likely benign for Aortic aneurysm, familial thoracic 6. Last evaluated: 2024-01-09. Review status: criteria provided, single submitter. Criteria: Invitae Variant Classification Sherloc (09022015). Collection method: clinical testing. Allele origin: germline.

All of Us Research Program, National Institutes of Health
Classification: Likely benign for Familial thoracic aortic aneurysm and aortic dissection. Last evaluated: 2023-12-18. Review status: criteria provided, single submitter. Criteria: ACMG Guidelines, 2015. Collection method: clinical testing. Allele origin: germline. Inheritance: Autosomal dominant inheritance. Observed: 3 variant alleles, 3 heterozygotes.
Comment: This study involves interpretation of variants in research participants for the purpose of population health screening. Participant phenotype was not available at the time of variant classification. Additional details can be found in publication PMID: 35346344, PMCID: PMC8962531

Color Diagnostics, LLC DBA Color Health
Classification: Likely benign for Familial thoracic aortic aneurysm and aortic dissection. Last evaluated: 2022-04-28. Review status: criteria provided, single submitter. Criteria: ACMG Guidelines, 2015. Collection method: clinical testing. Allele origin: germline.

Women's Health and Genetics/Laboratory Corporation of America, LabCorp
Classification: Likely benign. Last evaluated: 2021-11-01. Review status: criteria provided, single submitter. Criteria: LabCorp Variant Classification Summary - May 2015. Collection method: clinical testing. Allele origin: germline.
Comment: Variant summary: ACTA2 c.495C>A alters a conserved nucleotide resulting in a synonymous change. 4/4 computational tools predict no significant impact on normal splicing. However, these predictions have yet to be confirmed by functional studies. The variant allele was found at a frequency of 4e-06 in 251082 control chromosomes. The available data on variant occurrences in the general population are insufficient to allow any conclusion about variant significance. To our knowledge, no occurrence of c.495C>A in individuals affected with Thoracic Aortic Aneurysms And Dissections and no experimental evidence demonstrating its impact on protein function have been reported. One clinical diagnostic laboratory has submitted clinical-significance assessments for this variant to ClinVar after 2014 without evidence for independent evaluation. One laboratory classified the variant as likely benign. Based on the evidence outlined above, the variant was classified as likely benign.

NM_001613.4(ACTA2):c.495C>A (p.Val165=)

Gene: ACTA2 (actin alpha 2, smooth muscle; minus strand). Cytogenetic location: 10q23.31.
Variant type: single nucleotide variant.
Coding change: c.495C>A on transcript NM_001613.4 (MANE Select); coding-DNA position 495, C replaced by A.
Protein change: p.Val165=; no amino-acid change (valine 165 retained).
Molecular consequence: synonymous variant.
Genome position (GRCh38, 1-based): chr10:88,941,350, G>T on the plus strand (C>A on the coding strand, the complement: ACTA2 is on the minus strand). VCF-style: chr10-88941350-G-T. GRCh37 (hg19) VCF-style: chr10-90701107-G-T.
Other names: c.366C>A, p.Val122= (NM_001406467.1, NM_001406468.1, NM_001406469.1); c.495C>A, p.Val165= (NM_001406471.1, NM_001141945.3, NM_001320855.2 and 3 more transcripts); c.384C>A, p.Val128= (NM_001406466.1).
Identifiers: ClinVar variation 1161994 (VCV001161994.12), dbSNP rs1253704403, ClinGen allele CA470734561.